The following is an entry in ClinVar:

NM_000138.5(FBN1):c.1338del (p.Pro446_Val447insTer)

Gene: FBN1 (fibrillin 1; minus strand). Cytogenetic location: 15q21.1.
Variant type: Deletion.
Coding change: c.1338del on transcript NM_000138.5 (MANE Select); coding-DNA position 1338, one base deleted (A; older notation c.1338delA).
Protein change: p.Pro446_Val447insTer.
Molecular consequence: frameshift variant.
Genome position (GRCh38, 1-based): chr15:48,515,517, T deleted on the plus strand (A on the coding strand, the reverse complement: FBN1 is on the minus strand). VCF-style (leftmost placement, unchanged base first): chr15-48515516-CT-C. GRCh37 (hg19) VCF-style: chr15-48807713-CT-C.
Other names: c.1338del, p.Pro446_Val447insTer (NM_001406716.1).
Identifiers: ClinVar variation 2943007 (VCV002943007.3), dbSNP rs2505617813, ClinGen allele CA2740096682.

ClinVar aggregate classification (germline): Pathogenic (1 of 4 stars; one submission).

Conditions:
Marfan syndrome (MFS). Also called: MARFAN SYNDROME, TYPE I; Marfan syndrome type 1; Marfan's syndrome; Marfan syndrome, classic; FBN1-Related Marfan Syndrome. Identifiers: Orphanet 284963, Orphanet 558, MedGen C0024796, MONDO:0007947, OMIM 154700.
Familial thoracic aortic aneurysm and aortic dissection (TAAD). Also called: Thoracic aortic aneurysms and dissections. Identifiers: Orphanet 91387, MedGen C4707243, MONDO:0019625.

Submission:

Labcorp Genetics (formerly Invitae), Labcorp
Classification: Pathogenic for Marfan syndrome; Familial thoracic aortic aneurysm and aortic dissection. Last evaluated: 2023-01-07. Review status: criteria provided, single submitter. Criteria: Invitae Variant Classification Sherloc (09022015). Collection method: clinical testing. Allele origin: germline.
Comment: For these reasons, this variant has been classified as Pathogenic. This variant has not been reported in the literature in individuals affected with FBN1-related conditions. This variant is not present in population databases (gnomAD no frequency). This sequence change creates a premature translational stop signal (p.Val447*) in the FBN1 gene. It is expected to result in an absent or disrupted protein product. Loss-of-function variants in FBN1 are known to be pathogenic (PMID: 17657824, 19293843).

Literature cited by the submitters: PubMed 17657824; PubMed 19293843.